The following is an entry in ClinVar:

ClinVar aggregate classification (germline): Uncertain significance (1 of 4 stars; one submission).

Conditions:
Cardiomyopathy (CMYO). Also called: Cardiomyopathies. Identifiers: Orphanet 167848, MedGen C0878544, MONDO:0004994, HP:0001638. Inheritance: Various modes of inheritance.

Submission:

Color Diagnostics, LLC DBA Color Health
Classification: Uncertain significance for Cardiomyopathy. Last evaluated: 2025-09-29. Review status: criteria provided, single submitter. Criteria: ACMG Guidelines, 2015. Collection method: clinical testing. Allele origin: germline.
Comment: This missense variant replaces glycine with cysteine at codon 93 of the TMEM43 protein. Computational prediction is inconclusive regarding the impact of this variant on protein structure and function. To our knowledge, functional studies have not been reported for this variant. This variant has not been reported in individuals affected with TMEM43-related disorders in the literature. This variant has not been identified in the general population by the Genome Aggregation Database (gnomAD). The available evidence is insufficient to determine the role of this variant in disease conclusively. Therefore, this variant is classified as a Variant of Uncertain Significance.

NM_024334.3(TMEM43):c.277G>T (p.Gly93Cys)

Gene: TMEM43 (transmembrane protein 43; plus strand). Cytogenetic location: 3p25.1.
Variant type: single nucleotide variant.
Coding change: c.277G>T on transcript NM_024334.3 (MANE Select); coding-DNA position 277, G replaced by T.
Protein change: p.Gly93Cys; replaces glycine 93 with cysteine.
Molecular consequence: missense variant.
Genome position (GRCh38, 1-based): chr3:14,130,936, G>T. VCF-style: chr3-14130936-G-T. GRCh37 (hg19) VCF-style: chr3-14172436-G-T.
Other names: c.277G>T, p.Gly93Cys (NM_001407274.1, NM_001407275.1, NM_001407276.1 and 2 more transcripts); c.262G>T, p.Gly88Cys (NM_001407278.1); c.127G>T, p.Gly43Cys (NM_001407280.1); short protein forms G43C, G88C, G93C.
Identifiers: ClinVar variation 4758098 (VCV004758098.1).